The following is an entry in ClinVar:

ClinVar aggregate classification (germline): Uncertain significance (1 of 4 stars; one submission).

Conditions:
Ehlers-Danlos syndrome (EDS). Identifiers: Orphanet 98249, MedGen C0013720, MONDO:0020066.

Submission:

Molecular Genetics, Royal Melbourne Hospital
Classification: Uncertain significance for Ehlers-Danlos syndrome. Last evaluated: 2024-09-08. Review status: criteria provided, single submitter. Criteria: ACMG Guidelines, 2015. Collection method: clinical testing. Allele origin: germline. Inheritance: Autosomal dominant inheritance. Affected: yes.
Comment: This sequence change in THBS2 is predicted to replace cysteine with glycine at codon 425, p.(Cys425Gly). The cysteine residue is highly conserved (100 vertebrates, Multiz Alignments), and is predicted to form a disulphide bond located in the first TSP-type 1 domain. There is a large physicochemical difference between cysteine and glycine. THBS2, in which the variant was identified, is a gene significantly constrained for missense variation (gnomAD v4.1). This variant is absent from the population database gnomAD v4.1. To our knowledge, this variant is novel and has not been previously reported in the relevant scientific literature or databases. Computational evidence predicts a deleterious effect for the missense substitution (REVEL = 0.95) and predicts no impact on splicing (SpliceAI) for the nucleotide change. Based on the classification scheme RMH Modified ACMG/AMP Guidelines v1.7.0, this variant is classified as a VARIANT OF UNCERTAIN SIGNIFICANCE. Following criteria are met: PP3_Moderate, PM2_Supporting, PP2.

NM_003247.5(THBS2):c.1273T>G (p.Cys425Gly)

Genes: THBS2 (thrombospondin 2; minus strand), THBS2-AS1 (THBS2 antisense RNA 1; plus strand). Cytogenetic location: 6q27.
Variant type: single nucleotide variant.
Coding change: c.1273T>G on transcript NM_003247.5 (MANE Select); coding-DNA position 1273, T replaced by G.
Protein change: p.Cys425Gly; replaces cysteine 425 with glycine.
Molecular consequence: missense variant. On other transcripts: non-coding transcript variant (2).
Genome position (GRCh38, 1-based): chr6:169,237,652, A>C on the plus strand (T>G on the coding strand, the complement: THBS2 is on the minus strand). VCF-style: chr6-169237652-A-C. GRCh37 (hg19) VCF-style: chr6-169637747-A-C.
Other names: c.1273T>G, p.Cys425Gly (NM_001381939.1, NM_001381940.1); c.1042T>G, p.Cys348Gly (NM_001381942.1); short protein forms C348G, C425G.
Identifiers: ClinVar variation 3773767 (VCV003773767.1).